The following is an entry in ClinVar:

NM_001080517.3(SETD5):c.3050G>C (p.Gly1017Ala)

Gene: SETD5 (SET domain containing 5; plus strand). Cytogenetic location: 3p25.3.
Variant type: single nucleotide variant.
Coding change: c.3050G>C on transcript NM_001080517.3 (MANE Select); coding-DNA position 3050, G replaced by C.
Protein change: p.Gly1017Ala; replaces glycine 1017 with alanine.
Molecular consequence: missense variant.
Genome position (GRCh38, 1-based): chr3:9,470,784, G>C. VCF-style: chr3-9470784-G-C. GRCh37 (hg19) VCF-style: chr3-9512468-G-C.
Other names: c.2756G>C, p.Gly919Ala (NM_001292043.2, NM_001349451.2); short protein forms G1017A, G919A.
Identifiers: ClinVar variation 1707818 (VCV001707818.2), dbSNP rs773954765, ClinGen allele CA351681888.

ClinVar aggregate classification (germline): Uncertain significance (1 of 4 stars; one submission).

Submission:

GeneDx
Classification: Uncertain significance. Last evaluated: 2022-04-01. Review status: criteria provided, single submitter. Criteria: GeneDx Variant Classification Process June 2021. Collection method: clinical testing. Allele origin: germline. Affected: yes.
Comment: Not observed at significant frequency in large population cohorts (gnomAD); In silico analysis supports that this missense variant does not alter protein structure/function; Has not been previously published as pathogenic or benign to our knowledge